The following is an entry in ClinVar:

NM_001035.3(RYR2):c.6289G>T (p.Gly2097Cys)

Gene: RYR2 (ryanodine receptor 2; plus strand). Cytogenetic location: 1q43.
Variant type: single nucleotide variant.
Coding change: c.6289G>T on transcript NM_001035.3 (MANE Select); coding-DNA position 6289, G replaced by T.
Protein change: p.Gly2097Cys; replaces glycine 2097 with cysteine.
Molecular consequence: missense variant.
Genome position (GRCh38, 1-based): chr1:237,627,929, G>T. VCF-style: chr1-237627929-G-T. GRCh37 (hg19) VCF-style: chr1-237791229-G-T.
Other names: short protein forms G2097C.
Identifiers: ClinVar variation 2454010 (VCV002454010.2), dbSNP rs2546888588, ClinGen allele CA345411063.

ClinVar aggregate classification (germline): Uncertain significance (1 of 4 stars; one submission).

Conditions:
Cardiovascular phenotype. Identifiers: MedGen CN230736.

Allele frequency attached by ClinVar (database versions not stated): gnomAD exomes below 0.00001.
gnomAD v4.1: 1 of 1,613,158 alleles (0.000062%); highest among the groups gnomAD compares: Non-Finnish European, 0.000085%; no homozygotes.

Submission:

Ambry Genetics
Classification: Uncertain significance for Cardiovascular phenotype. Last evaluated: 2022-12-09. Review status: criteria provided, single submitter. Criteria: Ambry Variant Classification Scheme 2023. Collection method: clinical testing. Allele origin: germline.
Comment: The p.G2097C variant (also known as c.6289G>T), located in coding exon 41 of the RYR2 gene, results from a G to T substitution at nucleotide position 6289. The glycine at codon 2097 is replaced by cysteine, an amino acid with highly dissimilar properties. This amino acid position is well conserved in available vertebrate species. In addition, this alteration is predicted to be deleterious by in silico analysis. Since supporting evidence is limited at this time, the clinical significance of this alteration remains unclear.